The following is an entry in ClinVar:

ClinVar aggregate classification (germline): Conflicting classifications of pathogenicity. Review status: criteria provided, conflicting classifications (1 of 4 stars). 4 submissions from 4 submitters: Uncertain significance (2); Likely benign (2). Last evaluated 2024-10-01.

Conditions:
Cardiomyopathy (CMYO). Also called: Cardiomyopathies. Identifiers: Orphanet 167848, MedGen C0878544, MONDO:0004994, HP:0001638. Inheritance: Various modes of inheritance.
Dilated cardiomyopathy 1G (CMD1G). Identifiers: Orphanet 154, MedGen C1858763, MONDO:0011400, OMIM 604145.
Autosomal recessive limb-girdle muscular dystrophy type 2J (LGMDR10). Also called: Limb-girdle muscular dystrophy, type 2J; MUSCULAR DYSTROPHY, LIMB-GIRDLE, AUTOSOMAL RECESSIVE 10. Identifiers: Orphanet 140922, MedGen C1837342, MONDO:0012127, OMIM 608807.

Allele frequency attached by ClinVar (database versions not stated): gnomAD exomes 0.00007 and 0.00019; gnomAD 0.00021 and 0.00022; TOPMed 0.00027.
gnomAD v4.1: 72 of 1,549,696 alleles (0.0046%); highest among the groups gnomAD compares: Admixed American, 0.14%; no homozygotes.

Submissions (4):

CeGaT Center for Human Genetics Tuebingen
Classification: Uncertain significance. Last evaluated: 2024-10-01. Review status: criteria provided, single submitter. Criteria: CeGaT Center For Human Genetics Tuebingen Variant Classification Criteria Version 2. Collection method: clinical testing. Allele origin: germline. Affected: yes. Observed: 1 variant allele.
Comment: TTN: PM2:Supporting, BP4

Blueprint Genetics
Classification: Likely benign. Last evaluated: 2021-09-28. Review status: criteria provided, single submitter. Criteria: ACMG Guidelines, 2015. Collection method: clinical testing. Allele origin: germline.

Center for Advanced Laboratory Medicine, UC San Diego Health, University of California San Diego
Classification: Likely benign for Cardiomyopathy. Last evaluated: 2019-06-04. Review status: criteria provided, single submitter. Criteria: ACMG Guidelines, 2015. Collection method: clinical testing. Allele origin: germline. Affected: yes. Observed: 1 variant allele.

Labcorp Genetics (formerly Invitae), Labcorp
Classification: Uncertain significance for Dilated cardiomyopathy 1G; Autosomal recessive limb-girdle muscular dystrophy type 2J. Last evaluated: 2017-08-09. Review status: criteria provided, single submitter. Criteria: Invitae Variant Classification Sherloc (09022015). Collection method: clinical testing. Allele origin: germline.

NM_001267550.2(TTN):c.40123G>A (p.Glu13375Lys)

Gene: TTN (titin; minus strand). Cytogenetic location: 2q31.2.
Variant type: single nucleotide variant.
Coding change: c.40123G>A on transcript NM_001267550.2 (MANE Select); coding-DNA position 40123, G replaced by A.
Protein change: p.Glu13375Lys; replaces glutamic acid 13375 with lysine.
Molecular consequence: missense variant. On other transcripts: intron variant (5).
Genome position (GRCh38, 1-based): chr2:178,647,399, C>T on the plus strand (G>A on the coding strand, the complement: TTN is on the minus strand). VCF-style: chr2-178647399-C-T. GRCh37 (hg19) VCF-style: chr2-179512126-C-T.
Other names: c.13283-5082G>A (NM_003319.4); c.13859-5082G>A (NM_133437.4); c.13658-5082G>A (NM_133432.3); c.32594-1369G>A (NM_133378.4); c.35375-1369G>A (NM_001256850.1); short protein forms E13375K.
Identifiers: ClinVar variation 467118 (VCV000467118.19), dbSNP rs988844595, ClinGen allele CA60965007.
Genomic context (GRCh38, chr2:178,647,399, plus strand): 5'-GACAATTGTCATCTTTCCAAGATTTATGGAGAAGCCGTGTACCTTCAGCAGGTGGAACTT[C>T]TGGCTCTGCAGGGATAGGCACAGACACTTCCTTTTCTGGGATGATTTTCTCAGGCACTTT-3'
Protein context (NP_001254479.2, residues 13365-13385): EVSVPIPAEP[Glu13375Lys]VPPAEVEETP